The following is an entry in ClinVar:

ClinVar aggregate classification (germline): Uncertain significance. Review status: criteria provided, multiple submitters, no conflicts (2 of 4 stars). 2 submissions from 2 submitters: Uncertain significance (2). Last evaluated 2026-02-24.

Conditions:
CHARGE syndrome (CHARGE). Also called: Hittner Hirsch Kreh syndrome; Coloboma, heart anomaly, choanal atresia, retardation, genital and ear anomalies; CHARGE association; Hall-Hittner syndrome; CHARGE ASSOCIATION--COLOBOMA, HEART ANOMALY, CHOANAL ATRESIA, RETARDATION, GENITAL AND EAR ANOMALIES. Identifiers: Orphanet 138, MedGen C0265354, MONDO:0008965.

gnomAD v4.1: 1 of 1,587,738 alleles (0.000063%); highest among the groups gnomAD compares: Non-Finnish European, 0.000086%; no homozygotes.

Submissions (2):

GeneDx
Classification: Uncertain significance. Last evaluated: 2026-02-24. Review status: criteria provided, single submitter. Criteria: GeneDx Variant Classification Process June 2021. Collection method: clinical testing. Allele origin: germline.
Comment: Reported in a patient with CHARGE syndrome who inherited the variant from their parent; however, further clinical information was not provided (PMID: 21158681); Published functional studies suggest that the variant slightly reduces the ATPase activity and remodeling functions of CHD7 (PMID: 23134727); In silico analysis supports that this missense variant has a deleterious effect on protein structure/function; Not observed at significant frequency in large population cohorts (gnomAD); This variant is associated with the following publications: (PMID: 21158681, 37108593, 23134727, 33076341)

Labcorp Genetics (formerly Invitae), Labcorp
Classification: Uncertain significance for CHARGE syndrome. Last evaluated: 2024-09-17. Review status: criteria provided, single submitter. Criteria: Invitae Variant Classification Sherloc (09022015). Collection method: clinical testing. Allele origin: germline.
Comment: This sequence change replaces threonine, which is neutral and polar, with methionine, which is neutral and non-polar, at codon 917 of the CHD7 protein (p.Thr917Met). This variant is not present in population databases (gnomAD no frequency). This missense change has been observed in individual(s) with congenital hypogonadotropic hypogonadism (PMID: 37108593). Invitae Evidence Modeling of protein sequence and biophysical properties (such as structural, functional, and spatial information, amino acid conservation, physicochemical variation, residue mobility, and thermodynamic stability) indicates that this missense variant is expected to disrupt CHD7 protein function with a positive predictive value of 95%. Experimental studies have shown that this missense change affects CHD7 function (PMID: 23134727). In summary, the available evidence is currently insufficient to determine the role of this variant in disease. Therefore, it has been classified as a Variant of Uncertain Significance.

Literature cited by the submitters: PubMed 37108593 (cited by Labcorp Genetics (formerly Invitae), Labcorp); PubMed 23134727 (cited by Labcorp Genetics (formerly Invitae), Labcorp).

NM_017780.4(CHD7):c.2750C>T (p.Thr917Met)

Gene: CHD7 (chromodomain helicase DNA binding protein 7; plus strand). Cytogenetic location: 8q12.2.
Variant type: single nucleotide variant.
Coding change: c.2750C>T on transcript NM_017780.4 (MANE Select); coding-DNA position 2750, C replaced by T.
Protein change: p.Thr917Met; replaces threonine 917 with methionine.
Molecular consequence: missense variant. On other transcripts: intron variant (1).
Genome position (GRCh38, 1-based): chr8:60,821,842, C>T. VCF-style: chr8-60821842-C-T. GRCh37 (hg19) VCF-style: chr8-61734401-C-T.
Other names: c.1717-40387C>T (NM_001316690.1); c.2750C>T (NM_017780.2); short protein forms T917M.
Identifiers: ClinVar variation 981133 (VCV000981133.4).